The following is an entry in ClinVar:

ClinVar aggregate classification (germline): Uncertain significance (1 of 4 stars; one submission).

Submission:

CeGaT Center for Human Genetics Tuebingen
Classification: Uncertain significance. Last evaluated: 2023-02-01. Review status: criteria provided, single submitter. Criteria: CeGaT Center For Human Genetics Tuebingen Variant Classification Criteria Version 2. Collection method: clinical testing. Allele origin: germline. Affected: yes. Observed: 1 variant allele.
Comment: KDM6B: PM4

NM_001348716.2(KDM6B):c.1208GCA[3] (p.Ser406del)

Gene: KDM6B (lysine demethylase 6B; plus strand). Cytogenetic location: 17p13.1.
Variant type: Microsatellite.
Coding change: c.1208GCA[3] on transcript NM_001348716.2 (MANE Select); three copies in a row of the 3-base unit GCA starting at c.1208; the reference has four copies in a row; one copy, 3 bases deleted.
Protein change: p.Ser406del; deletes serine 406.
Molecular consequence: inframe deletion.
Genome position (GRCh38, 1-based): chr17:7,847,412-7,847,414, GCA deleted; deleting any 3 consecutive bases within chr17:7,847,402-7,847,414 gives the same sequence; the position shown is the placement nearest the transcript's 3' end. VCF-style (leftmost placement, unchanged base first): chr17-7847401-TAGC-T. GRCh37 (hg19) VCF-style: chr17-7750719-TAGC-T.
Other names: c.1208GCA[3], p.Ser406del (NM_001080424.2); short protein forms S406del.
Identifiers: ClinVar variation 2647397 (VCV002647397.24), dbSNP rs762814813, ClinGen allele CA287512880.